The following is an entry in ClinVar:

NM_005236.3(ERCC4):c.1558_1563del (p.Ser520_Ser521del)

Gene: ERCC4 (ERCC excision repair 4, endonuclease catalytic subunit; plus strand). Cytogenetic location: 16p13.12.
Variant type: Deletion.
Coding change: c.1558_1563del on transcript NM_005236.3 (MANE Select); coding-DNA positions 1558 to 1563, 6 bases deleted (AGTAGC; older notation c.1558_1563delAGTAGC).
Protein change: p.Ser520_Ser521del.
Molecular consequence: inframe deletion.
Genome position (GRCh38, 1-based): chr16:13,935,490-13,935,495, AGTAGC deleted; deleting any 6 consecutive bases within chr16:13,935,487-13,935,495 gives the same sequence; the c. name uses the placement nearest the transcript's 3' end. VCF-style (leftmost placement, unchanged base first): chr16-13935486-AAGCAGT-A. GRCh37 (hg19) VCF-style: chr16-14029343-AAGCAGT-A.
Identifiers: ClinVar variation 1465476 (VCV001465476.6), dbSNP rs2141607630, ClinGen allele CA2573151869.
Genomic context (GRCh38, chr16:13,935,486, plus strand): 5'-AGGAAAACCTGAAGAACTGGAAGAGGAAGGAGATGTCGAGGAAGGATATCGTCGAGAAAT[AAGCAGT>A]AGCCCAGAAAGCTGCCCGGAAGAAATTAAGCATGAAGAATTTGATGTAAATTTGTCATCG-3'

ClinVar aggregate classification (germline): Uncertain significance (1 of 4 stars; one submission).

Conditions:
Xeroderma pigmentosum, group F (XPF). Also called: ERCC4-Related Xeroderma Pigmentosum; XERODERMA PIGMENTOSUM VI; XP, GROUP F; XERODERMA PIGMENTOSUM, TYPE F; Xeroderma pigmentosum, type 6; XERODERMA PIGMENTOSUM, COMPLEMENTATION GROUP F. Identifiers: MedGen C0268140, MONDO:0010215, OMIM 278760.
Fanconi anemia complementation group Q. Identifiers: Orphanet 84, MedGen C3808988, MONDO:0014108, OMIM 615272.
Cockayne syndrome. Identifiers: Orphanet 191, MedGen C0009207, MONDO:0016006.

Submission:

Labcorp Genetics (formerly Invitae), Labcorp
Classification: Uncertain significance for Fanconi anemia complementation group Q; Xeroderma pigmentosum, group F; Cockayne syndrome. Last evaluated: 2021-11-05. Review status: criteria provided, single submitter. Criteria: Invitae Variant Classification Sherloc (09022015). Collection method: clinical testing. Allele origin: germline.
Comment: This variant, c.1558_1563del, results in the deletion of 2 amino acid(s) of the ERCC4 protein (p.Ser520_Ser521del), but otherwise preserves the integrity of the reading frame. This variant is not present in population databases (gnomAD no frequency). This variant has not been reported in the literature in individuals affected with ERCC4-related conditions. Experimental studies and prediction algorithms are not available or were not evaluated, and the functional significance of this variant is currently unknown. In summary, the available evidence is currently insufficient to determine the role of this variant in disease. Therefore, it has been classified as a Variant of Uncertain Significance.